The following is an entry in ClinVar:

NM_133433.4(NIPBL):c.3851A>G (p.Asn1284Ser)

Gene: NIPBL (NIPBL cohesin loading factor; plus strand). Cytogenetic location: 5p13.2.
Variant type: single nucleotide variant.
Coding change: c.3851A>G on transcript NM_133433.4 (MANE Select); coding-DNA position 3851, A replaced by G.
Protein change: p.Asn1284Ser; replaces asparagine 1284 with serine.
Molecular consequence: missense variant.
Genome position (GRCh38, 1-based): chr5:37,003,343, A>G. VCF-style: chr5-37003343-A-G. GRCh37 (hg19) VCF-style: chr5-37003445-A-G.
Other names: c.3851A>G, p.Asn1284Ser (NM_015384.5); short protein forms N1284S.
Identifiers: ClinVar variation 159096 (VCV000159096.10), dbSNP rs143152112, ClinGen allele CA272081.

ClinVar aggregate classification (germline): Uncertain significance. Review status: criteria provided, multiple submitters, no conflicts (2 of 4 stars). 3 submissions from 3 submitters: Uncertain significance (3). Last evaluated 2025-08-27.

Conditions:
Cornelia de Lange syndrome 1 (CDLS1). Also called: Brachmann de Lange syndrome; NIPBL-Related Cornelia de Lange Syndrome; TYPUS DEGENERATIVUS AMSTELODAMENSIS. Identifiers: Orphanet 199, MedGen C4551851, MONDO:0007387, OMIM 122470.

Allele frequency attached by ClinVar (database versions not stated): gnomAD exomes 0.00001 and 0.00003; ExAC 0.00002; TOPMed 0.00003; gnomAD 0.00005; ESP Exome Variant Server 0.00008.
gnomAD v4.1: 27 of 1,577,454 alleles (0.0017%); highest among the groups gnomAD compares: Admixed American, 0.0084%; no homozygotes.

Submissions (3):

Labcorp Genetics (formerly Invitae), Labcorp
Classification: Uncertain significance for Cornelia de Lange syndrome 1. Last evaluated: 2025-08-27. Review status: criteria provided, single submitter. Criteria: Invitae Variant Classification Sherloc (09022015). Collection method: clinical testing. Allele origin: germline.
Comment: This sequence change replaces asparagine, which is neutral and polar, with serine, which is neutral and polar, at codon 1284 of the NIPBL protein (p.Asn1284Ser). This variant is present in population databases (rs143152112, gnomAD 0.004%). This variant has not been reported in the literature in individuals affected with NIPBL-related conditions. ClinVar contains an entry for this variant (Variation ID: 159096). Invitae Evidence Modeling of protein sequence and biophysical properties (such as structural, functional, and spatial information, amino acid conservation, physicochemical variation, residue mobility, and thermodynamic stability) has been performed for this missense variant. However, the output from this modeling did not meet the statistical confidence thresholds required to predict the impact of this variant on NIPBL protein function. In summary, the available evidence is currently insufficient to determine the role of this variant in disease. Therefore, it has been classified as a Variant of Uncertain Significance.

Fulgent Genetics
Classification: Uncertain significance for Cornelia de Lange syndrome 1. Last evaluated: 2024-06-15. Review status: criteria provided, single submitter. Criteria: ACMG Guidelines, 2015. Collection method: clinical testing. Allele origin: germline.

Genetic Services Laboratory, University of Chicago
Classification: Uncertain significance for Cornelia de Lange syndrome 1. Last evaluated: 2013-02-08. Review status: criteria provided, single submitter. Criteria: ACMG Guidelines, 2007. Collection method: clinical testing. Allele origin: germline. Inheritance: Autosomal dominant inheritance.